The following is an entry in ClinVar:

ClinVar aggregate classification (germline): Pathogenic (1 of 4 stars; one submission).

Allele frequency attached by ClinVar (database versions not stated): gnomAD exomes below 0.00001.
gnomAD v4.1: 3 of 1,614,124 alleles (0.00019%); highest among the groups gnomAD compares: Non-Finnish European, 0.00025%; no homozygotes.

Submission:

Labcorp Genetics (formerly Invitae), Labcorp
Classification: Pathogenic. Last evaluated: 2023-04-15. Review status: criteria provided, single submitter. Criteria: Invitae Variant Classification Sherloc (09022015). Collection method: clinical testing. Allele origin: germline.
Comment: For these reasons, this variant has been classified as Pathogenic. This variant has not been reported in the literature in individuals affected with TET2-related conditions. This variant is not present in population databases (gnomAD no frequency). This sequence change creates a premature translational stop signal (p.Gln1084*) in the TET2 gene. It is expected to result in an absent or disrupted protein product. Loss-of-function variants in TET2 are known to be pathogenic (PMID: 36066697).

Literature cited by the submitters: PubMed 36066697.

NM_001127208.3(TET2):c.3250C>T (p.Gln1084Ter)

Genes: TET2 (tet methylcytosine dioxygenase 2; plus strand), TET2-AS1 (TET2 antisense RNA 1; minus strand). Cytogenetic location: 4q24.
Variant type: single nucleotide variant.
Coding change: c.3250C>T on transcript NM_001127208.3 (MANE Select); coding-DNA position 3250, C replaced by T.
Protein change: p.Gln1084Ter; replaces glutamine 1084 with a stop codon.
Molecular consequence: nonsense.
Genome position (GRCh38, 1-based): chr4:105,237,192, C>T. VCF-style: chr4-105237192-C-T. GRCh37 (hg19) VCF-style: chr4-106158349-C-T.
Other names: c.3250C>T, p.Gln1084Ter (NM_017628.4); short protein forms Q1084*.
Identifiers: ClinVar variation 2856415 (VCV002856415.3), dbSNP rs2110237946, ClinGen allele CA357802727.